The following is an entry in ClinVar:

ClinVar aggregate classification (germline): Pathogenic (1 of 4 stars; one submission).

Conditions:
Congenital lactic acidosis, Saguenay-Lac-Saint-Jean type (MC4DN5). Also called: CYTOCHROME c OXIDASE DEFICIENCY, FRENCH CANADIAN TYPE; COX DEFICIENCY, FRENCH CANADIAN TYPE; MITOCHONDRIAL COMPLEX IV DEFICIENCY, NUCLEAR TYPE 5. Identifiers: Orphanet 70472, MedGen C1857355, MONDO:0009069, OMIM 220111.

Submission:

Myriad Genetics, Inc.
Classification: Pathogenic for Congenital lactic acidosis, Saguenay-Lac-Saint-Jean type. Last evaluated: 2025-08-10. Review status: criteria provided, single submitter. Criteria: Myriad Autosomal Dominant, Autosomal Recessive and X-Linked Classification Criteria (2023). Collection method: clinical testing. Allele origin: unknown.
Comment: NM_133259.3(LRPPRC):c.2344A>T(K782*) is expected to be pathogenic in the context of Leigh syndrome, French-Canadian type. This variant is predicted to lead to an abnormal or absent protein product due to the creation of a premature termination codon in LRPPRC, a gene where loss-of-function variants are known to be pathogenic. Please note: this variant was assessed in the context of healthy population screening.

NM_133259.4(LRPPRC):c.2344A>T (p.Lys782Ter)

Gene: LRPPRC (leucine rich pentatricopeptide repeat containing; minus strand). Cytogenetic location: 2p21.
Variant type: single nucleotide variant.
Coding change: c.2344A>T on transcript NM_133259.4 (MANE Select); coding-DNA position 2344, A replaced by T.
Protein change: p.Lys782Ter; replaces lysine 782 with a stop codon.
Molecular consequence: nonsense.
Genome position (GRCh38, 1-based): chr2:43,943,847, T>A on the plus strand (A>T on the coding strand, the complement: LRPPRC is on the minus strand). VCF-style: chr2-43943847-T-A. GRCh37 (hg19) VCF-style: chr2-44170986-T-A.
Other names: short protein forms K782*.
Identifiers: ClinVar variation 5014848 (VCV005014848.1).